The following is an entry in ClinVar:

NM_002150.3(HPD):c.1071+2T>A

Genes: HPD (4-hydroxyphenylpyruvate dioxygenase; minus strand), TIALD (transcript inducer of AURKA lysosomal degradation; plus strand). Cytogenetic location: 12q24.31.
Variant type: single nucleotide variant.
Coding change: c.1071+2T>A on transcript NM_002150.3 (MANE Select); the canonical splice donor site of the intron after coding-DNA position 1071, T replaced by A.
Molecular consequence: splice donor variant.
Genome position (GRCh38, 1-based): chr12:121,839,930, A>T on the plus strand (T>A on the coding strand, the complement: HPD is on the minus strand). VCF-style: chr12-121839930-A-T. GRCh37 (hg19) VCF-style: chr12-122277836-A-T.
Other names: c.954+2T>A (NM_001171993.2).
Identifiers: ClinVar variation 4786176 (VCV004786176.1).

ClinVar aggregate classification (germline): Uncertain significance (1 of 4 stars; one submission).

Conditions:
Hawkinsinuria. Identifiers: Orphanet 2118, MedGen C2931042, MONDO:0007700, OMIM 140350, HP:0034457.
Tyrosinemia type III. Also called: Tyrosinemia type 3; 4-alpha hydroxyphenylpyruvic acid oxidase deficiency; 4-alpha hydroxyphenylpyruvate dioxygenase deficiency; 4-Hydroxyphenylpyruvate dioxygenase deficiency; 4-HYDROXYPHENYLPYRUVIC ACID OXIDASE DEFICIENCY. Identifiers: Orphanet 69723, MedGen C0268623, MONDO:0010162, OMIM 276710.

Submission:

Labcorp Genetics (formerly Invitae), Labcorp
Classification: Uncertain significance for Tyrosinemia type III; Hawkinsinuria. Last evaluated: 2025-09-19. Review status: criteria provided, single submitter. Criteria: Invitae Variant Classification Sherloc (09022015). Collection method: clinical testing. Allele origin: germline.
Comment: This sequence change affects a donor splice site in intron 13 of the HPD gene. While this variant is not anticipated to result in nonsense mediated decay, it likely alters RNA splicing and results in a disrupted protein product. This variant is not present in population databases (gnomAD no frequency). This variant has not been reported in the literature in individuals affected with HPD-related conditions. Variants that disrupt the consensus splice site are a relatively common cause of aberrant splicing (PMID: 17576681, 9536098). Algorithms developed to predict the effect of sequence changes on RNA splicing suggest that this variant may disrupt the consensus splice site. This variant disrupts a region of the HPD protein in which other variant(s) (p.Glu374Lys) have been observed in individuals with HPD-related conditions (internal data). This suggests that this is a clinically significant region of the protein, and that variants that disrupt it are likely to be disease-causing. In summary, the available evidence is currently insufficient to determine the role of this variant in disease. Therefore, it has been classified as a Variant of Uncertain Significance.

Literature cited by the submitters: PubMed 17576681; PubMed 9536098.